The following is an entry in ClinVar:

NM_001374828.1(ARID1B):c.3532del (p.Glu1178fs)

Gene: ARID1B (AT-rich interaction domain 1B; plus strand). Cytogenetic location: 6q25.3.
Variant type: Deletion.
Coding change: c.3532del on transcript NM_001374828.1 (MANE Select); coding-DNA position 3532, one base deleted (G; older notation c.3532delG).
Protein change: p.Glu1178fs; shifts the reading frame from glutamic acid 1178.
Molecular consequence: frameshift variant.
Genome position (GRCh38, 1-based): chr6:157,180,996, G deleted; the last of 4 consecutive G bases (chr6:157,180,993-157,180,996); deleting any one gives the same sequence. VCF-style (leftmost placement, unchanged base first): chr6-157180992-TG-T. GRCh37 (hg19) VCF-style: chr6-157502126-TG-T.
Other names: c.3283delG, p.Glu1095Argfs (NM_001346813.1); c.1033del, p.Glu345fs (NM_001363725.2); c.3412del, p.Glu1138fs (NM_001371656.1, NM_001374820.1); c.3373del, p.Glu1125fs (NM_017519.3); c.3163delG, p.Glu1055Argfs (NM_020732.3); c.2950delG, p.Glu984Argfs (NM_175863.2); short protein forms E1125fs, E1138fs, E1178fs, E345fs.
Identifiers: ClinVar variation 1805388 (VCV001805388.1), dbSNP rs2538355363, ClinGen allele CA2573102951.

ClinVar aggregate classification (germline): Pathogenic (1 of 4 stars; one submission).

Conditions:
Coffin-Siris syndrome 1 (CSS1). Also called: ARID1B-Related Coffin-Siris Syndrome; Mental retardation, autosomal dominant 12. Identifiers: Orphanet 1465, MedGen C3281201, MONDO:0007617, OMIM 135900. Disease mechanism: gain of function.

Submission:

Victorian Clinical Genetics Services, Murdoch Childrens Research Institute
Classification: Pathogenic for Coffin-Siris syndrome 1. Last evaluated: 2022-03-31. Review status: criteria provided, single submitter. Criteria: ACMG Guidelines, 2015. Collection method: clinical testing. Allele origin: germline. Inheritance: Autosomal dominant inheritance. Affected: yes.
Comment: Based on the classification scheme VCGS_Germline_v1.3.4, this variant is classified as Pathogenic. Following criteria are met: 0102 - Loss of function is a known mechanism of disease in this gene and is associated with Coffin-Siris syndrome 1 (MIM#135900). (I) 0107 - This gene is associated with autosomal dominant disease. (I) 0115 - Variants in this gene are known to have variable expressivity (PMID: 33768696). (I) 0201 - Variant is predicted to cause nonsense-mediated decay (NMD) and loss of protein (premature termination codon is located at least 54 nucleotides upstream of the final exon-exon junction). (SP) 0251 - This variant is heterozygous. (I) 0301 - Variant is absent from gnomAD (both v2 and v3). (SP) 0701 - Other NMD predicted variants comparable to the one identified in this case have very strong previous evidence for pathogenicity (DECIPHER). (SP) 0807 - This variant has no previous evidence of pathogenicity. (I) 0905 - No published segregation evidence has been identified for this variant. (I) 1007 - No published functional evidence has been identified for this variant. (SP) Legend: (SP) - Supporting pathogenic, (I) - Information, (SB) - Supporting benign

Literature cited by the submitters: PubMed 33768696.